The following is an entry in ClinVar:

NM_001267550.2(TTN):c.40281A>G (p.Glu13427=)

Gene: TTN (titin; minus strand). Cytogenetic location: 2q31.2.
Variant type: single nucleotide variant.
Coding change: c.40281A>G on transcript NM_001267550.2 (MANE Select); coding-DNA position 40281, A replaced by G.
Protein change: p.Glu13427=; no amino-acid change (glutamic acid 13427 retained).
Molecular consequence: synonymous variant. On other transcripts: intron variant (5).
Genome position (GRCh38, 1-based): chr2:178,646,501, T>C on the plus strand (A>G on the coding strand, the complement: TTN is on the minus strand). VCF-style: chr2-178646501-T-C. GRCh37 (hg19) VCF-style: chr2-179511228-T-C.
Other names: c.13283-4184A>G (NM_003319.4); c.13859-4184A>G (NM_133437.4); c.13658-4184A>G (NM_133432.3); c.32594-471A>G (NM_133378.4); c.35375-471A>G (NM_001256850.1); c.40281A>G (NM_001267550.1).
Identifiers: ClinVar variation 1125329 (VCV001125329.8), dbSNP rs2154244709, ClinGen allele CA430101607.

ClinVar aggregate classification (germline): Conflicting classifications of pathogenicity. Review status: criteria provided, conflicting classifications (1 of 4 stars). 2 submissions from 2 submitters: Uncertain significance (1); Likely benign (1). Last evaluated 2025-09-14.

Conditions:
Autosomal recessive limb-girdle muscular dystrophy type 2J (LGMDR10). Also called: Limb-girdle muscular dystrophy, type 2J; MUSCULAR DYSTROPHY, LIMB-GIRDLE, AUTOSOMAL RECESSIVE 10. Identifiers: Orphanet 140922, MedGen C1837342, MONDO:0012127, OMIM 608807.
Dilated cardiomyopathy 1G (CMD1G). Identifiers: Orphanet 154, MedGen C1858763, MONDO:0011400, OMIM 604145.

Submissions (2):

Labcorp Genetics (formerly Invitae), Labcorp
Classification: Likely benign for Dilated cardiomyopathy 1G; Autosomal recessive limb-girdle muscular dystrophy type 2J. Last evaluated: 2025-09-14. Review status: criteria provided, single submitter. Criteria: Invitae Variant Classification Sherloc (09022015). Collection method: clinical testing. Allele origin: germline.

GeneDx
Classification: Uncertain significance. Last evaluated: 2025-02-19. Review status: criteria provided, single submitter. Criteria: GeneDx Variant Classification Process June 2021. Collection method: clinical testing. Allele origin: germline. Affected: yes.
Comment: Not observed at significant frequency in large population cohorts (gnomAD); In silico analysis indicates that this variant does not alter splicing; Has not been previously published as pathogenic or benign to our knowledge